The following is an entry in ClinVar:

ClinVar aggregate classification (germline): Conflicting classifications of pathogenicity. Review status: criteria provided, conflicting classifications (1 of 4 stars). 2 submissions from 2 submitters: Uncertain significance (1); Likely benign (1). Last evaluated 2026-01-13.

Conditions:
Polycystic kidney disease, adult type (PKD1). Also called: Polycystic Kidney, Autosomal Dominant; Polycystic Kidney Disease 1, Autosomal Dominant; Polycystic kidney disease 1; Polycystic kidney disease 1, severe; POLYCYSTIC KIDNEY DISEASE, ADULT, TYPE I; POLYCYSTIC KIDNEY DISEASE 1 WITH OR WITHOUT POLYCYSTIC LIVER DISEASE. Identifiers: MedGen C3149841, MONDO:0008263, OMIM 173900.
PKD1-related disorder. Also called: PKD1-related condition.

Allele frequency attached by ClinVar (database versions not stated): gnomAD 0.00001; ExAC 0.00003.
gnomAD v4.1: 81 of 1,608,116 alleles (0.005%); highest among the groups gnomAD compares: East Asian, 0.18%; 1 homozygote.

Submissions (2):

PreventionGenetics, part of Exact Sciences
Classification: Uncertain significance for PKD1-related condition. Last evaluated: 2026-01-13. Review status: criteria provided, single submitter. Criteria: ACMG Guidelines, 2015. Collection method: clinical testing. Allele origin: germline.
Comment: The PKD1 c.10904C>A variant is predicted to result in the amino acid substitution p.Ala3635Asp. This variant was reported in two patients with polycystic kidney disease, although conclusive evidence of pathogenicity was not presented and in one case a second potentially pathogenic PKD1 variant was also identified (Mori et al. 2017. PubMed ID: 26920127; Table S6C, Kim et al. 2019. PubMed ID: 31740684). This variant is reported in 0.022% of alleles in individuals of East Asian descent in gnomAD. At this time, the clinical significance of this variant is uncertain due to the absence of conclusive functional and genetic evidence.

Fulgent Genetics
Classification: Likely benign for Polycystic kidney disease, adult type. Last evaluated: 2024-02-13. Review status: criteria provided, single submitter. Criteria: ACMG Guidelines, 2015. Collection method: clinical testing. Allele origin: germline.

NM_001009944.3(PKD1):c.10904C>A (p.Ala3635Asp)

Genes: PKD1 (polycystin 1, transient receptor potential channel interacting; minus strand), PKD1-AS1 (PKD1 antisense RNA 1; plus strand). Cytogenetic location: 16p13.3.
Variant type: single nucleotide variant.
Coding change: c.10904C>A on transcript NM_001009944.3 (MANE Select); coding-DNA position 10904, C replaced by A.
Protein change: p.Ala3635Asp; replaces alanine 3635 with aspartic acid.
Molecular consequence: missense variant.
Genome position (GRCh38, 1-based): chr16:2,093,656, G>T on the plus strand (C>A on the coding strand, the complement: PKD1 is on the minus strand). VCF-style: chr16-2093656-G-T. GRCh37 (hg19) VCF-style: chr16-2143657-G-T.
Other names: c.10901C>A, p.Ala3634Asp (NM_000296.4); short protein forms A3634D, A3635D.
Identifiers: ClinVar variation 2635201 (VCV002635201.3), dbSNP rs748561600, ClinGen allele CA7829389.